The following is an entry in ClinVar:

NM_001122764.3(PPOX):c.67C>T (p.Arg23Trp)

Gene: PPOX (protoporphyrinogen oxidase; plus strand). Cytogenetic location: 1q23.3.
Variant type: single nucleotide variant.
Coding change: c.67C>T on transcript NM_001122764.3 (MANE Select); coding-DNA position 67, C replaced by T.
Protein change: p.Arg23Trp; replaces arginine 23 with tryptophan.
Molecular consequence: missense variant. On other transcripts: 5 prime UTR variant (5).
Genome position (GRCh38, 1-based): chr1:161,166,914, C>T. VCF-style: chr1-161166914-C-T. GRCh37 (hg19) VCF-style: chr1-161136704-C-T.
Other names: c.67C>T, p.Arg23Trp (NM_000309.5, NM_001350128.2, NM_001365398.1 and 1 more transcripts); c.-361C>T (NM_001350129.2); c.-452C>T (NM_001350130.2); c.-338C>T (NM_001350131.2); c.-245C>T (NM_001365400.1); c.-304C>T (NM_001365401.1); short protein forms R23W.
Identifiers: ClinVar variation 2446702 (VCV002446702.4), dbSNP rs373956753, ClinGen allele CA31631981.

ClinVar aggregate classification (germline): Uncertain significance. Review status: criteria provided, multiple submitters, no conflicts (2 of 4 stars). 2 submissions from 2 submitters: Uncertain significance (2). Last evaluated 2023-02-10.

Allele frequency attached by ClinVar (database versions not stated): gnomAD exomes below 0.00001.
gnomAD v4.1: 2 of 1,613,932 alleles (0.00012%); highest among the groups gnomAD compares: East Asian, 0.0022%; no homozygotes.

Submissions (2):

Labcorp Genetics (formerly Invitae), Labcorp
Classification: Uncertain significance. Last evaluated: 2023-02-10. Review status: criteria provided, single submitter. Criteria: Invitae Variant Classification Sherloc (09022015). Collection method: clinical testing. Allele origin: germline.
Comment: In summary, the available evidence is currently insufficient to determine the role of this variant in disease. Therefore, it has been classified as a Variant of Uncertain Significance. Advanced modeling of protein sequence and biophysical properties (such as structural, functional, and spatial information, amino acid conservation, physicochemical variation, residue mobility, and thermodynamic stability) has been performed at Invitae for this missense variant, however the output from this modeling did not meet the statistical confidence thresholds required to predict the impact of this variant on PPOX protein function. This variant has not been reported in the literature in individuals affected with PPOX-related conditions. This variant is not present in population databases (gnomAD no frequency). This sequence change replaces arginine, which is basic and polar, with tryptophan, which is neutral and slightly polar, at codon 23 of the PPOX protein (p.Arg23Trp).

GeneDx
Classification: Uncertain significance. Last evaluated: 2022-10-02. Review status: criteria provided, single submitter. Criteria: GeneDx Variant Classification Process June 2021. Collection method: clinical testing. Allele origin: germline. Affected: yes.
Comment: Not observed at significant frequency in large population cohorts (gnomAD); In silico analysis supports that this missense variant has a deleterious effect on protein structure/function; Has not been previously published as pathogenic or benign to our knowledge